The following is an entry in ClinVar:

ClinVar aggregate classification (germline): Uncertain significance (1 of 4 stars; one submission).

gnomAD v4.1: 2 of 1,209,146 alleles (0.00017%); highest among the groups gnomAD compares: Admixed American, 0.0022%; no homozygotes.

Submission:

Ambry Genetics
Classification: Uncertain significance. Last evaluated: 2026-08-17. Review status: criteria provided, single submitter. Criteria: Ambry Variant Classification Scheme 2023. Collection method: clinical testing. Allele origin: germline.
Comment: The c.17C>A (p.T6N) alteration is located in exon 2 (coding exon 1) of the SSX1 gene. This alteration results from a C to A substitution at nucleotide position 17, causing the threonine (T) at amino acid position 6 to be replaced by an asparagine (N). Based on data from gnomAD, the A allele has an overall frequency of 0.001% (2/183137) total alleles studied. The highest observed frequency was 0.008% (1/13156) of African alleles. Based on insufficient or conflicting evidence, the clinical significance of this alteration remains unclear.

NM_005635.4(SSX1):c.17C>A (p.Thr6Asn)

Gene: SSX1 (SSX family member 1; plus strand). Cytogenetic location: Xp11.23.
Variant type: single nucleotide variant.
Coding change: c.17C>A on transcript NM_005635.4 (MANE Select); coding-DNA position 17, C replaced by A.
Protein change: p.Thr6Asn; replaces threonine 6 with asparagine.
Molecular consequence: missense variant.
Genome position (GRCh38, 1-based): chrX:48,257,258, C>A. VCF-style: chrX-48257258-C-A. GRCh37 (hg19) VCF-style: chrX-48116693-C-A.
Other names: c.17C>A, p.Thr6Asn (NM_001278691.2); short protein forms T6N.
Identifiers: ClinVar variation 5030281 (VCV005030281.1).